The following is an entry in ClinVar:

NM_024747.6(HPS6):c.13G>A (p.Gly5Arg)

Genes: HPS6 (HPS6 biogenesis of lysosomal organelles complex 2 subunit 3; plus strand), LOC130004578 (ATAC-STARR-seq lymphoblastoid silent region 2738; plus strand). Cytogenetic location: 10q24.32.
Variant type: single nucleotide variant.
Coding change: c.13G>A on transcript NM_024747.6 (MANE Select); coding-DNA position 13, G replaced by A.
Protein change: p.Gly5Arg; replaces glycine 5 with arginine.
Molecular consequence: missense variant.
Genome position (GRCh38, 1-based): chr10:102,065,487, G>A. VCF-style: chr10-102065487-G-A. GRCh37 (hg19) VCF-style: chr10-103825244-G-A.
Other names: short protein forms G5R.
Identifiers: ClinVar variation 2077948 (VCV002077948.1), dbSNP rs2067960256, ClinGen allele CA377853408.

ClinVar aggregate classification (germline): Uncertain significance (1 of 4 stars; one submission).

Allele frequency attached by ClinVar (database versions not stated): gnomAD 0.00001.

Submission:

Labcorp Genetics (formerly Invitae), Labcorp
Classification: Uncertain significance. Last evaluated: 2022-07-29. Review status: criteria provided, single submitter. Criteria: Invitae Variant Classification Sherloc (09022015). Collection method: clinical testing. Allele origin: germline.
Comment: This sequence change replaces glycine, which is neutral and non-polar, with arginine, which is basic and polar, at codon 5 of the HPS6 protein (p.Gly5Arg). This variant is not present in population databases (gnomAD no frequency). This variant has not been reported in the literature in individuals affected with HPS6-related conditions. Algorithms developed to predict the effect of missense changes on protein structure and function are either unavailable or do not agree on the potential impact of this missense change (SIFT: "Deleterious"; PolyPhen-2: "Possibly Damaging"; Align-GVGD: "Class C15"). In summary, the available evidence is currently insufficient to determine the role of this variant in disease. Therefore, it has been classified as a Variant of Uncertain Significance.